The following is an entry in ClinVar:

ClinVar aggregate classification (germline): Uncertain significance. Review status: criteria provided, multiple submitters, no conflicts (2 of 4 stars). 4 submissions from 3 submitters: Uncertain significance (4). Last evaluated 2023-06-24.

Conditions:
Hypophosphatemic rickets, autosomal recessive, 2 (ARHR2). Identifiers: Orphanet 289176, MedGen C2750078, MONDO:0013219, OMIM 613312.
Arterial calcification, generalized, of infancy, 1 (GACI1). Also called: Idiopathic Infantile Arterial Calcification. Identifiers: Orphanet 51608, MedGen C4551985, MONDO:0008817, OMIM 208000.
Obesity. Also called: Obesity disorder. Identifiers: Orphanet 71529, MedGen C0028754, MeSH D009765, MONDO:0011122, HP:0001513.
Type 2 diabetes mellitus. Also called: Type II diabetes mellitus. Identifiers: MedGen C0011860, MeSH D003924, MONDO:0005148, OMIM 125853, HP:0005978.
Hypopigmentation-punctate palmoplantar keratoderma syndrome. Also called: GUTTATE HYPOPIGMENTATION AND PUNCTATE PALMOPLANTAR KERATODERMA WITH OR WITHOUT ECTOPIC CALCIFICATION; Cole disease. Identifiers: Orphanet 324561, MedGen C3809781, MONDO:0014227, OMIM 615522.

Allele frequency attached by ClinVar (database versions not stated): TOPMed 0.00003; gnomAD 0.00006; ESP Exome Variant Server 0.00008.

Submissions (4):

Labcorp Genetics (formerly Invitae), Labcorp
Classification: Uncertain significance. Last evaluated: 2023-06-24. Review status: criteria provided, single submitter. Criteria: Invitae Variant Classification Sherloc (09022015). Collection method: clinical testing. Allele origin: germline.
Comment: In summary, the available evidence is currently insufficient to determine the role of this variant in disease. Therefore, it has been classified as a Variant of Uncertain Significance. Advanced modeling of protein sequence and biophysical properties (such as structural, functional, and spatial information, amino acid conservation, physicochemical variation, residue mobility, and thermodynamic stability) performed at Invitae indicates that this missense variant is not expected to disrupt ENPP1 protein function. ClinVar contains an entry for this variant (Variation ID: 906337). This variant has not been reported in the literature in individuals affected with ENPP1-related conditions. This variant is present in population databases (rs147798392, gnomAD 0.004%). This sequence change replaces glycine, which is neutral and non-polar, with serine, which is neutral and polar, at codon 229 of the ENPP1 protein (p.Gly229Ser).

Fulgent Genetics
Classification: Uncertain significance for Type 2 diabetes mellitus; Arterial calcification, generalized, of infancy, 1; Inherited obesity; Hypophosphatemic rickets, autosomal recessive, 2; Hypopigmentation-punctate palmoplantar keratoderma syndrome. Last evaluated: 2022-01-11. Review status: criteria provided, single submitter. Criteria: ACMG Guidelines, 2015. Collection method: clinical testing. Allele origin: unknown.

Illumina Laboratory Services, Illumina
Classification: Uncertain significance for Arterial calcification, generalized, of infancy, 1. Last evaluated: 2018-01-13. Review status: criteria provided, single submitter. Criteria: ICSL Variant Classification Criteria 13 December 2019. Collection method: clinical testing. Allele origin: germline.

Illumina Laboratory Services, Illumina
Classification: Uncertain significance for Hypophosphatemic rickets, autosomal recessive, 2. Last evaluated: 2018-01-13. Review status: criteria provided, single submitter. Criteria: ICSL Variant Classification Criteria 13 December 2019. Collection method: clinical testing. Allele origin: germline.

NM_006208.3(ENPP1):c.685G>A (p.Gly229Ser)

Gene: ENPP1 (ectonucleotide pyrophosphatase/phosphodiesterase 1; plus strand). Cytogenetic location: 6q23.2.
Variant type: single nucleotide variant.
Coding change: c.685G>A on transcript NM_006208.3 (MANE Select); coding-DNA position 685, G replaced by A.
Protein change: p.Gly229Ser; replaces glycine 229 with serine.
Molecular consequence: missense variant.
Genome position (GRCh38, 1-based): chr6:131,854,993, G>A. VCF-style: chr6-131854993-G-A. GRCh37 (hg19) VCF-style: chr6-132176133-G-A.
Other names: short protein forms G229S.
Identifiers: ClinVar variation 906337 (VCV000906337.13), dbSNP rs147798392, ClinGen allele CA4001981.